The following is an entry in ClinVar:

ClinVar aggregate classification (germline): Uncertain significance (1 of 4 stars; one submission).

Allele frequency attached by ClinVar (database versions not stated): gnomAD exomes below 0.00001.
gnomAD v4.1: 2 of 1,614,026 alleles (0.00012%); highest among the groups gnomAD compares: East Asian, 0.0022%; no homozygotes.

Submission:

GeneDx
Classification: Uncertain significance. Last evaluated: 2021-04-21. Review status: criteria provided, single submitter. Criteria: GeneDx Variant Classification Process June 2021. Collection method: clinical testing. Allele origin: germline. Affected: yes.
Comment: Not observed at a significant frequency in large population cohorts (Lek et al., 2016); In silico analysis supports that this missense variant has a deleterious effect on protein structure/function; Has not been previously published as pathogenic or benign to our knowledge

NM_013352.4(DSE):c.1420G>A (p.Gly474Arg)

Gene: DSE (dermatan sulfate epimerase; plus strand). Cytogenetic location: 6q22.1.
Variant type: single nucleotide variant.
Coding change: c.1420G>A on transcript NM_013352.4 (MANE Select); coding-DNA position 1420, G replaced by A.
Protein change: p.Gly474Arg; replaces glycine 474 with arginine.
Molecular consequence: missense variant. On other transcripts: 3 prime UTR variant (2), non-coding transcript variant (1).
Genome position (GRCh38, 1-based): chr6:116,435,888, G>A. VCF-style: chr6-116435888-G-A. GRCh37 (hg19) VCF-style: chr6-116757051-G-A.
Other names: c.1420G>A, p.Gly474Arg (NM_001080976.3, NM_001322937.2, NM_001322938.2); c.1477G>A, p.Gly493Arg (NM_001322939.2); c.859G>A, p.Gly287Arg (NM_001322940.2, NM_001322941.2); c.*285G>A (NM_001322943.2, NM_001322944.2); c.421G>A, p.Gly141Arg (NM_001374520.1); c.385G>A, p.Gly129Arg (NM_001374521.1); short protein forms G129R, G141R, G287R, G474R, G493R.
Identifiers: ClinVar variation 1314657 (VCV001314657.2), dbSNP rs1245898059, ClinGen allele CA365400485.